The following is an entry in ClinVar:

NM_023014.1(PRAMEF2):c.421A>G (p.Thr141Ala)

Genes: PRAMEF2 (PRAME family member 2; plus strand), LOC126805622 (CDK7 strongly-dependent group 2 enhancer GRCh37_chr1:12919058-12920257; plus strand). Cytogenetic location: 1p36.21.
Variant type: single nucleotide variant.
Coding change: c.421A>G on transcript NM_023014.1 (MANE Select); coding-DNA position 421, A replaced by G.
Protein change: p.Thr141Ala; replaces threonine 141 with alanine.
Molecular consequence: missense variant.
Genome position (GRCh38, 1-based): chr1:12,859,826, A>G. VCF-style: chr1-12859826-A-G. GRCh37 (hg19) VCF-style: chr1-12919681-A-G.
Other names: short protein forms T141A.
Identifiers: ClinVar variation 3025331 (VCV003025331.22), dbSNP rs118174776, ClinGen allele CA608020.

ClinVar aggregate classification (germline): Likely benign (1 of 4 stars; one submission).

Allele frequency attached by ClinVar (database versions not stated): ExAC 0.00173; 1000 Genomes Project 0.00439.

Submission:

CeGaT Center for Human Genetics Tuebingen
Classification: Likely benign. Last evaluated: 2024-01-01. Review status: criteria provided, single submitter. Criteria: CeGaT Center For Human Genetics Tuebingen Variant Classification Criteria Version 2. Collection method: clinical testing. Allele origin: germline. Affected: yes. Observed: 1 variant allele.
Comment: PRAMEF2: BS2